The following is an entry in ClinVar:

ClinVar aggregate classification (germline): Likely benign. Review status: criteria provided, multiple submitters, no conflicts (2 of 4 stars). 4 submissions from 4 submitters: Likely benign (3). 1 of the submissions does not count toward it. Last evaluated 2026-05-01.

Conditions:
Creatine deficiency syndrome 1.
Creatine transporter deficiency (CCDS1). Also called: Mental retardation , X-linked with seizures, short stature and midface hypoplasia; Mental retardation , X-linked, with creatine transport deficiency; X-linked creatine transporter deficiency; X-linked creatine deficiency syndrome; SLC6A8-Related Creatine Transporter Deficiency; CREATINE TRANSPORTER DEFECT. Identifiers: Orphanet 52503, MedGen C1845862, MONDO:0010305, OMIM 300352.

Allele frequency attached by ClinVar (database versions not stated): gnomAD exomes below 0.00001; gnomAD 0.00001; TOPMed 0.00002; ExAC 0.00003.
gnomAD v4.1: 2 of 1,138,087 alleles (0.00018%); highest among the groups gnomAD compares: Admixed American, 0.0051%; no homozygotes.

Submissions (4):

CeGaT Center for Human Genetics Tuebingen
Classification: Likely benign. Last evaluated: 2026-05-01. Review status: criteria provided, single submitter. Criteria: CeGaT Center For Human Genetics Tuebingen Variant Classification Criteria Version 2. Collection method: clinical testing. Allele origin: germline. Affected: yes. Observed: 1 variant allele.
Comment: SLC6A8: BP4, BP7

Labcorp Genetics (formerly Invitae), Labcorp
Classification: Likely benign for Creatine transporter deficiency. Last evaluated: 2026-01-20. Review status: criteria provided, single submitter. Criteria: Invitae Variant Classification Sherloc (09022015). Collection method: clinical testing. Allele origin: germline.

GeneDx
Classification: Likely benign. Last evaluated: 2020-10-30. Review status: criteria provided, single submitter. Criteria: GeneDx Variant Classification Process June 2021. Collection method: clinical testing. Allele origin: germline. Affected: yes.

Natera, Inc.
Classification: Likely benign for Creatine deficiency syndrome 1. Last evaluated: 2020-02-25. Review status: no assertion criteria provided. Collection method: clinical testing. Allele origin: germline. Not counted in ClinVar's aggregate classification.

NM_005629.4(SLC6A8):c.204C>T (p.Phe68=)

Gene: SLC6A8 (solute carrier family 6 member 8; plus strand). Cytogenetic location: Xq28.
Variant type: single nucleotide variant.
Coding change: c.204C>T on transcript NM_005629.4 (MANE Select); coding-DNA position 204, C replaced by T.
Protein change: p.Phe68=; no amino-acid change (phenylalanine 68 retained).
Molecular consequence: synonymous variant.
Genome position (GRCh38, 1-based): chrX:153,688,778, C>T. VCF-style: chrX-153688778-C-T. GRCh37 (hg19) VCF-style: chrX-152954233-C-T.
Other names: c.204C>T, p.Phe68= (NM_001142805.2).
Identifiers: ClinVar variation 778785 (VCV000778785.15), dbSNP rs782128137, ClinGen allele CA10549163.
Genomic context (GRCh38, chrX:153,688,778, plus strand): 5'-CGTGCCGCCGCGCGAGACCTGGACGCGCCAGATGGACTTCATCATGTCGTGCGTGGGCTT[C>T]GCCGTGGGCTTGGGCAACGTGTGGCGCTTCCCCTACCTGTGCTACAAGAACGGCGGAGGT-3'
Protein context (NP_005620.1, residues 58-78): QMDFIMSCVG[Phe68=]AVGLGNVWRF